The following is an entry in ClinVar:

ClinVar aggregate classification (germline): Pathogenic/Likely pathogenic. Review status: criteria provided, multiple submitters, no conflicts (2 of 4 stars). 3 submissions from 3 submitters: Pathogenic (2); Likely pathogenic (1). Last evaluated 2024-03-16.

Conditions:
Hereditary cancer-predisposing syndrome. Also called: Hereditary neoplastic syndrome; Neoplastic Syndromes, Hereditary; Tumor predisposition; Hereditary Cancer Syndrome. Identifiers: Orphanet 140162, MedGen C0027672, MeSH D009386, MONDO:0015356.
Familial cancer of breast. Also called: Hereditary breast cancer; hereditary breast carcinoma; BREAST CANCER, FAMILIAL. Identifiers: Orphanet 227535, MedGen C0346153, MONDO:0016419, OMIM 114480. Disease mechanism: loss of function.
Ataxia-telangiectasia syndrome (AT). Also called: Ataxia telangiectasia (A-T); LOUIS-BAR SYNDROME; Cerebello-oculocutaneous telangiectasia; Immunodeficiency with ataxia telangiectasia; Ataxia-telangiectasia, complementation group D; AT, COMPLEMENTATION GROUP C. Identifiers: Orphanet 100, MedGen C0004135, MONDO:0008840, OMIM 208900.

Submissions (3):

Baylor Genetics
Classification: Likely pathogenic for Familial cancer of breast. Last evaluated: 2024-03-16. Review status: criteria provided, single submitter. Criteria: ACMG Guidelines, 2015. Collection method: clinical testing. Allele origin: unknown.

Ambry Genetics
Classification: Pathogenic for Hereditary cancer-predisposing syndrome. Last evaluated: 2024-01-05. Review status: criteria provided, single submitter. Criteria: Ambry Variant Classification Scheme 2023. Collection method: clinical testing. Allele origin: germline.
Comment: The p.E1346* pathogenic mutation (also known as c.4036G>T), located in coding exon 26 of the ATM gene, results from a G to T substitution at nucleotide position 4036. This changes the amino acid from a glutamic acid to a stop codon within coding exon 26. This alteration is expected to result in loss of function by premature protein truncation or nonsense-mediated mRNA decay. As such, this alteration is interpreted as a disease-causing mutation.

Labcorp Genetics (formerly Invitae), Labcorp
Classification: Pathogenic for Ataxia-telangiectasia syndrome. Last evaluated: 2016-10-08. Review status: criteria provided, single submitter. Criteria: Invitae Variant Classification Sherloc (09022015). Collection method: clinical testing. Allele origin: germline.
Comment: For these reasons, this variant has been classified as Pathogenic. While this particular variant has not been reported in the literature, loss-of-function variants in ATM are known to be pathogenic (PMID: 10817650, 19781682). This sequence change creates a premature translational stop signal at codon 1346 (p.Glu1346*) of the ATM gene. It is expected to result in an absent or disrupted protein product.

Literature cited by the submitters: PubMed 10817650 (cited by Labcorp Genetics (formerly Invitae), Labcorp); PubMed 19781682 (cited by Labcorp Genetics (formerly Invitae), Labcorp).

NM_000051.4(ATM):c.4036G>T (p.Glu1346Ter)

Gene: ATM (ATM serine/threonine kinase; plus strand). Cytogenetic location: 11q22.3.
Variant type: single nucleotide variant.
Coding change: c.4036G>T on transcript NM_000051.4 (MANE Select); coding-DNA position 4036, G replaced by T.
Protein change: p.Glu1346Ter; replaces glutamic acid 1346 with a stop codon.
Molecular consequence: nonsense.
Genome position (GRCh38, 1-based): chr11:108,287,642, G>T. VCF-style: chr11-108287642-G-T. GRCh37 (hg19) VCF-style: chr11-108158369-G-T.
Other names: c.4036G>T, p.Glu1346Ter (NM_001351834.2); short protein forms E1346*.
Identifiers: ClinVar variation 407454 (VCV000407454.14), dbSNP rs1060501528, ClinGen allele CA16613138.
Genomic context (GRCh38, chr11:108,287,642, plus strand): 5'-AATTTTGTGCCCTTGCAGATTGATCACTTATTCATTAGTAATTTACCAGAGATTGTGGTG[G>T]AGTTATTGATGACGTTACATGAGCCAGCAAATTCTAGTGCCAGTCAGAGCACTGACCTCT-3'